The following is an entry in ClinVar:

ClinVar aggregate classification (germline): Uncertain significance (1 of 4 stars; one submission).

Conditions:
Ullrich congenital muscular dystrophy 2 (UCMD2). Identifiers: Orphanet 75840, MedGen C4225314, MONDO:0014654, OMIM 616470.
Bethlem myopathy 2 (BTHLM2). Identifiers: Orphanet 536516, Orphanet 610, MedGen C4225313, MONDO:0034022, OMIM 616471.

Allele frequency attached by ClinVar (database versions not stated): gnomAD exomes below 0.00001.
gnomAD v4.1: 4 of 1,610,388 alleles (0.00025%); highest among the groups gnomAD compares: Non-Finnish European, 0.00025%; no homozygotes.

Submission:

Labcorp Genetics (formerly Invitae), Labcorp
Classification: Uncertain significance for Bethlem myopathy 2; Ullrich congenital muscular dystrophy 2. Last evaluated: 2020-03-23. Review status: criteria provided, single submitter. Criteria: Invitae Variant Classification Sherloc (09022015). Collection method: clinical testing. Allele origin: germline.
Comment: Algorithms developed to predict the effect of missense changes on protein structure and function are either unavailable or do not agree on the potential impact of this missense change (SIFT: "Deleterious"; PolyPhen-2: "Benign"; Align-GVGD: "Class C0"). In summary, the available evidence is currently insufficient to determine the role of this variant in disease. Therefore, it has been classified as a Variant of Uncertain Significance. This variant has not been reported in the literature in individuals with COL12A1-related conditions. This variant is not present in population databases (ExAC no frequency). This sequence change replaces lysine with threonine at codon 730 of the COL12A1 protein (p.Lys730Thr). The lysine residue is moderately conserved and there is a moderate physicochemical difference between lysine and threonine.

NM_004370.6(COL12A1):c.2189A>C (p.Lys730Thr)

Gene: COL12A1 (collagen type XII alpha 1 chain; minus strand). Cytogenetic location: 6q13.
Variant type: single nucleotide variant.
Coding change: c.2189A>C on transcript NM_004370.6 (MANE Select); coding-DNA position 2189, A replaced by C.
Protein change: p.Lys730Thr; replaces lysine 730 with threonine.
Molecular consequence: missense variant. On other transcripts: intron variant (1).
Genome position (GRCh38, 1-based): chr6:75,177,911, T>G on the plus strand (A>C on the coding strand, the complement: COL12A1 is on the minus strand). VCF-style: chr6-75177911-T-G. GRCh37 (hg19) VCF-style: chr6-75887627-T-G.
Other names: c.73+24809A>C (NM_080645.3); short protein forms K730T.
Identifiers: ClinVar variation 1023475 (VCV001023475.9), dbSNP rs1769052023, ClinGen allele CA364764561.